The following is an entry in ClinVar:

ClinVar aggregate classification (germline): Uncertain significance (1 of 4 stars; one submission).

Conditions:
Inborn genetic diseases. Identifiers: MedGen C0950123, MeSH D030342.

Submission:

Ambry Genetics
Classification: Uncertain significance for Inborn genetic diseases. Last evaluated: 2026-04-19. Review status: criteria provided, single submitter. Criteria: Ambry Variant Classification Scheme 2023. Collection method: clinical testing. Allele origin: germline.
Comment: The p.D668E variant (also known as c.2004C>G), located in coding exon 1 of the SAMD9 gene, results from a C to G substitution at nucleotide position 2004. The aspartic acid at codon 668 is replaced by glutamic acid, an amino acid with highly similar properties. This amino acid position is conserved. In addition, this alteration is predicted to be tolerated by in silico analysis. Based on the available evidence, the clinical significance of this variant remains unclear.

NM_017654.4(SAMD9):c.2004C>G (p.Asp668Glu)

Gene: SAMD9 (sterile alpha motif domain containing 9; minus strand). Cytogenetic location: 7q21.2.
Variant type: single nucleotide variant.
Coding change: c.2004C>G on transcript NM_017654.4 (MANE Select); coding-DNA position 2004, C replaced by G.
Protein change: p.Asp668Glu; replaces aspartic acid 668 with glutamic acid.
Molecular consequence: missense variant.
Genome position (GRCh38, 1-based): chr7:93,104,094, G>C on the plus strand (C>G on the coding strand, the complement: SAMD9 is on the minus strand). VCF-style: chr7-93104094-G-C. GRCh37 (hg19) VCF-style: chr7-92733407-G-C.
Other names: c.2004C>G, p.Asp668Glu (NM_001193307.2); short protein forms D668E.
Identifiers: ClinVar variation 4863820 (VCV004863820.1).